The following is an entry in ClinVar:

NM_001013838.3(CARMIL2):c.1920-16G>T

Gene: CARMIL2 (capping protein regulator and myosin 1 linker 2; plus strand). Cytogenetic location: 16q22.1.
Variant type: single nucleotide variant.
Coding change: c.1920-16G>T on transcript NM_001013838.3 (MANE Select); 16 bases into the intron before coding-DNA position 1920, G replaced by T.
Molecular consequence: intron variant.
Genome position (GRCh38, 1-based): chr16:67,649,790, G>T. VCF-style: chr16-67649790-G-T. GRCh37 (hg19) VCF-style: chr16-67683693-G-T.
Other names: c.1812-16G>T (NM_001317026.3).
Identifiers: ClinVar variation 1973939 (VCV001973939.5), dbSNP rs2543555238, ClinGen allele CA2580091799.
Genomic context (GRCh38, chr16:67,649,790, plus strand): 5'-AGGCGAATGGACTAGGCCGAGGGTTGGGTGGGGCGTTGGGAAGCTCCGTCCCCGACTGAA[G>T]CCAGGCCCGGCCCAGGTCTGTGGTCTGGGACCGGAACCACACATCTGCTTTGGGTCTGCT-3'

ClinVar aggregate classification (germline): Uncertain significance (1 of 4 stars; one submission).

Submission:

Labcorp Genetics (formerly Invitae), Labcorp
Classification: Uncertain significance. Last evaluated: 2022-07-23. Review status: criteria provided, single submitter. Criteria: Invitae Variant Classification Sherloc (09022015). Collection method: clinical testing. Allele origin: germline.
Comment: This variant is not present in population databases (gnomAD no frequency). In summary, the available evidence is currently insufficient to determine the role of this variant in disease. Therefore, it has been classified as a Variant of Uncertain Significance. Algorithms developed to predict the effect of sequence changes on RNA splicing suggest that this variant may create or strengthen a splice site. This variant has not been reported in the literature in individuals affected with CARMIL2-related conditions. This sequence change falls in intron 20 of the CARMIL2 gene. It does not directly change the encoded amino acid sequence of the CARMIL2 protein.